The following is an entry in ClinVar:

ClinVar aggregate classification (germline): Uncertain significance. Review status: criteria provided, multiple submitters, no conflicts (2 of 4 stars). 4 submissions from 3 submitters: Uncertain significance (4). Last evaluated 2025-12-21.

Conditions:
Inborn genetic diseases. Identifiers: MedGen C0950123, MeSH D030342.
Familial cutaneous telangiectasia and oropharyngeal predisposition cancer syndrome. Identifiers: Orphanet 313846, MedGen C3281203, MONDO:0013806, OMIM 614564.
Seckel syndrome 1 (SCKL1). Also called: MICROCEPHALIC PRIMORDIAL DWARFISM I. Identifiers: Orphanet 808, MedGen C4551474, MONDO:0008869, OMIM 210600.

Allele frequency attached by ClinVar (database versions not stated): gnomAD exomes below 0.00001 and 0.00001; ExAC 0.00001; TOPMed 0.00001; gnomAD 0.00003.
gnomAD v4.1: 5 of 1,613,664 alleles (0.00031%); highest among the groups gnomAD compares: African/African-American, 0.0067%; no homozygotes.

Submissions (4):

Labcorp Genetics (formerly Invitae), Labcorp
Classification: Uncertain significance. Last evaluated: 2025-12-21. Review status: criteria provided, single submitter. Criteria: Invitae Variant Classification Sherloc (09022015). Collection method: clinical testing. Allele origin: germline.
Comment: This sequence change replaces isoleucine, which is neutral and non-polar, with valine, which is neutral and non-polar, at codon 1114 of the ATR protein (p.Ile1114Val). This variant is present in population databases (rs781663208, gnomAD 0.01%). This variant has not been reported in the literature in individuals affected with ATR-related conditions. ClinVar contains an entry for this variant (Variation ID: 1496462). An algorithm developed to predict the effect of missense changes on protein structure and function (PolyPhen-2) suggests that this variant is likely to be tolerated. In summary, the available evidence is currently insufficient to determine the role of this variant in disease. Therefore, it has been classified as a Variant of Uncertain Significance.

Genome-Nilou Lab
Classification: Uncertain significance for Seckel syndrome 1. Last evaluated: 2023-02-08. Review status: criteria provided, single submitter. Criteria: ACMG Guidelines, 2015. Collection method: clinical testing. Allele origin: germline.

Genome-Nilou Lab
Classification: Uncertain significance for Familial cutaneous telangiectasia and oropharyngeal predisposition cancer syndrome. Last evaluated: 2023-02-08. Review status: criteria provided, single submitter. Criteria: ACMG Guidelines, 2015. Collection method: clinical testing. Allele origin: germline.

Ambry Genetics
Classification: Uncertain significance for Inborn genetic diseases. Last evaluated: 2022-10-09. Review status: criteria provided, single submitter. Criteria: Ambry Variant Classification Scheme 2023. Collection method: clinical testing. Allele origin: germline.
Comment: The p.I1114V variant (also known as c.3340A>G), located in coding exon 16 of the ATR gene, results from an A to G substitution at nucleotide position 3340. The isoleucine at codon 1114 is replaced by valine, an amino acid with highly similar properties. This amino acid position is conserved. In addition, this alteration is predicted to be tolerated by in silico analysis. Since supporting evidence is limited at this time, the clinical significance of this alteration remains unclear.

NM_001184.4(ATR):c.3340A>G (p.Ile1114Val)

Gene: ATR (ATR checkpoint kinase; minus strand). Cytogenetic location: 3q23.
Variant type: single nucleotide variant.
Coding change: c.3340A>G on transcript NM_001184.4 (MANE Select); coding-DNA position 3340, A replaced by G.
Protein change: p.Ile1114Val; replaces isoleucine 1114 with valine.
Molecular consequence: missense variant.
Genome position (GRCh38, 1-based): chr3:142,547,742, T>C on the plus strand (A>G on the coding strand, the complement: ATR is on the minus strand). VCF-style: chr3-142547742-T-C. GRCh37 (hg19) VCF-style: chr3-142266584-T-C.
Other names: c.3148A>G, p.Ile1050Val (NM_001354579.2); short protein forms I1050V, I1114V.
Identifiers: ClinVar variation 1496462 (VCV001496462.9), dbSNP rs781663208, ClinGen allele CA2650151.
Genomic context (GRCh38, chr3:142,547,742, plus strand): 5'-GAAGAAAAACAAACAAAAAAACCTCATAGAACATATTCCTTACCATCAGTTCAGGTGATA[T>C]GATATCTCTCGGGCCCTGATATGGATCATCACTGGATGCAAATGAGGCAAGTATTGACAA-3'
Protein context (NP_001175.2, residues 1104-1124): DDPYQGPRDI[Ile1114Val]SPELMADYLQ